The following is an entry in ClinVar:

ClinVar aggregate classification (germline): Uncertain significance (1 of 4 stars; one submission).

Submission:

GeneDx
Classification: Uncertain significance. Last evaluated: 2025-09-02. Review status: criteria provided, single submitter. Criteria: GeneDx Variant Classification Process June 2021. Collection method: clinical testing. Allele origin: germline. Affected: yes.
Comment: Not observed at significant frequency in large population cohorts (gnomAD); In silico analysis supports a deleterious effect on splicing; This variant is associated with the following publications: (PMID: 36732661)

NM_207037.2(TCF12):c.971-8A>G

Gene: TCF12 (transcription factor 12; plus strand). Cytogenetic location: 15q21.3.
Variant type: single nucleotide variant.
Coding change: c.971-8A>G on transcript NM_207037.2 (MANE Select); 8 bases into the intron before coding-DNA position 971, A replaced by G.
Molecular consequence: intron variant.
Genome position (GRCh38, 1-based): chr15:57,234,035, A>G. VCF-style: chr15-57234035-A-G. GRCh37 (hg19) VCF-style: chr15-57526233-A-G.
Other names: c.971-8A>G (NM_001322151.2, NM_001322159.3, NM_001322157.3 and 7 more transcripts); c.797-8A>G (NM_001322156.2, NM_001322158.2); c.314-8A>G (NM_001322154.2); c.1007-8A>G (NM_001322164.2); c.461-8A>G (NM_001306219.3, NM_207040.2); c.263-8A>G (NM_001306220.3).
Identifiers: ClinVar variation 4812893 (VCV004812893.1).